The following is an entry in ClinVar:

NM_006565.4(CTCF):c.1992G>C (p.Gln664His)

Gene: CTCF (CCCTC-binding factor; plus strand). Cytogenetic location: 16q22.1.
Variant type: single nucleotide variant.
Coding change: c.1992G>C on transcript NM_006565.4 (MANE Select); coding-DNA position 1992, G replaced by C.
Protein change: p.Gln664His; replaces glutamine 664 with histidine.
Molecular consequence: missense variant.
Genome position (GRCh38, 1-based): chr16:67,636,844, G>C. VCF-style: chr16-67636844-G-C. GRCh37 (hg19) VCF-style: chr16-67670747-G-C.
Other names: c.1008G>C, p.Gln336His (NM_001191022.2); c.1992G>C, p.Gln664His (NM_001363916.2, NM_001438968.1, NM_001438969.1); short protein forms Q336H, Q664H.
Identifiers: ClinVar variation 4528201 (VCV004528201.1).

ClinVar aggregate classification (germline): Uncertain significance (1 of 4 stars; one submission).

Submission:

GeneDx
Classification: Uncertain significance. Last evaluated: 2025-05-09. Review status: criteria provided, single submitter. Criteria: GeneDx Variant Classification Process June 2021. Collection method: clinical testing. Allele origin: germline. Affected: yes.
Comment: Not observed at significant frequency in large population cohorts (gnomAD); In silico analysis suggests that this missense variant does not alter protein structure/function; Has not been previously published as pathogenic or benign to our knowledge